The following is an entry in ClinVar:

NM_004380.3(CREBBP):c.710G>A (p.Ser237Asn)

Gene: CREBBP (CREB binding lysine acetyltransferase; minus strand). Cytogenetic location: 16p13.3.
Variant type: single nucleotide variant.
Coding change: c.710G>A on transcript NM_004380.3 (MANE Select); coding-DNA position 710, G replaced by A.
Protein change: p.Ser237Asn; replaces serine 237 with asparagine.
Molecular consequence: missense variant.
Genome position (GRCh38, 1-based): chr16:3,850,385, C>T on the plus strand (G>A on the coding strand, the complement: CREBBP is on the minus strand). VCF-style: chr16-3850385-C-T. GRCh37 (hg19) VCF-style: chr16-3900386-C-T.
Other names: c.710G>A, p.Ser237Asn (NM_001079846.1); short protein forms S237N.
Identifiers: ClinVar variation 4537045 (VCV004537045.1).

ClinVar aggregate classification (germline): Uncertain significance (1 of 4 stars; one submission).

Submission:

Women's Health and Genetics/Laboratory Corporation of America, LabCorp
Classification: Uncertain significance. Last evaluated: 2025-11-05. Review status: criteria provided, single submitter. Criteria: LabCorp Variant Classification Summary - May 2015. Collection method: clinical testing. Allele origin: germline.
Comment: Variant summary: CREBBP c.710G>A (p.Ser237Asn) results in a conservative amino acid change in the encoded protein sequence. Algorithms developed to predict the effect of missense changes on protein structure and function are either unavailable or do not agree on the potential impact of this missense change. The variant was absent in 251418 control chromosomes. The available data on variant occurrences in the general population are insufficient to allow any conclusion about variant significance. To our knowledge, no occurrence of c.710G>A in individuals affected with CREBBP-related conditions and no experimental evidence demonstrating its impact on protein function have been reported. No submitters have cited clinical-significance assessments for this variant to ClinVar. Based on the evidence outlined above, the variant was classified as uncertain significance.